The following is an entry in ClinVar:

NM_000059.4(BRCA2):c.2786dup (p.Leu929fs)

Gene: BRCA2 (BRCA2 DNA repair associated; plus strand). Cytogenetic location: 13q13.1.
Variant type: Duplication.
Coding change: c.2786dup on transcript NM_000059.4 (MANE Select); coding-DNA position 2786, one base duplicated (T; older notation c.2786dupT).
Protein change: p.Leu929fs; shifts the reading frame from leucine 929.
Molecular consequence: frameshift variant.
Genome position (GRCh38, 1-based): chr13:32,337,141, T duplicated; the last of 4 consecutive T bases (chr13:32,337,138-32,337,141); duplicating any one gives the same sequence. VCF-style (leftmost placement, unchanged base first): chr13-32337137-G-GT. GRCh37 (hg19) VCF-style: chr13-32911274-G-GT.
Other names: 3014insT; 3014INST; c.2786dupT (NM_000059.3); short protein forms L929fs.
Identifiers: ClinVar variation 51345 (VCV000051345.26), dbSNP rs80359347, ClinGen allele CA016347.
Genomic context (GRCh38, chr13:32,337,137, plus strand): 5'-GAACTTCATGAAACAGACTTGACTTGTGTAAACGAACCCATTTTCAAGAACTCTACCATG[G>GT]TTTTATATGGAGACACAGGTGATAAACAAGCAACCCAAGTGTCAATTAAAAAAGATTTGG-3'

ClinVar aggregate classification (germline): Pathogenic. Review status: reviewed by expert panel (3 of 4 stars). 13 submissions from 13 submitters: Pathogenic (1). 12 of the submissions do not count toward it. Last evaluated 2016-09-08.

Conditions:
Hereditary cancer-predisposing syndrome. Also called: Neoplastic Syndromes, Hereditary; Tumor predisposition; Hereditary Cancer Syndrome; Hereditary neoplastic syndrome. Identifiers: Orphanet 140162, MedGen C0027672, MeSH D009386, MONDO:0015356.
Hereditary breast ovarian cancer syndrome. Also called: Hereditary breast and/or ovarian cancer syndrome; Hereditary breast and ovarian cancer syndrome; Hereditary breast and ovarian cancer; Hereditary breast and ovarian cancer syndrome (HBOC); Breast and ovarian cancer; BRCA1- and BRCA2-Associated Hereditary Breast and Ovarian Cancer. Identifiers: Orphanet 145, MedGen C0677776, MeSH D061325, MONDO:0003582. Disease mechanism: loss of function.
Breast-ovarian cancer, familial, susceptibility to, 2 (BROVCA2). Also called: BRCA2 Hereditary Breast and Ovarian Cancer. Identifiers: Orphanet 145, MedGen C2675520, MONDO:0012933, OMIM 612555. Disease mechanism: loss of function.

Submissions (13):

Evidence-based Network for the Interpretation of Germline Mutant Alleles (ENIGMA)
Classification: Pathogenic for Breast-ovarian cancer, familial, susceptibility to, 2. Last evaluated: 2016-09-08. Review status: reviewed by expert panel. Criteria: ENIGMA BRCA1/2 Classification Criteria (2015). Collection method: curation. Allele origin: germline.
Comment: Variant allele predicted to encode a truncated non-functional protein.

Labcorp Genetics (formerly Invitae), Labcorp
Classification: Pathogenic for Hereditary breast ovarian cancer syndrome. Last evaluated: 2025-08-11. Review status: criteria provided, single submitter. Criteria: Invitae Variant Classification Sherloc (09022015). Collection method: clinical testing. Allele origin: germline. Not counted in ClinVar's aggregate classification.
Comment: This sequence change creates a premature translational stop signal (p.Leu929Phefs*7) in the BRCA2 gene. It is expected to result in an absent or disrupted protein product. Loss-of-function variants in BRCA2 are known to be pathogenic (PMID: 20104584). This variant is not present in population databases (gnomAD no frequency). This premature translational stop signal has been observed in individual(s) with hereditary breast and ovarian cancer (PMID: 15131399, 24549055). This variant is also known as c.3014insT. ClinVar contains an entry for this variant (Variation ID: 51345). For these reasons, this variant has been classified as Pathogenic.

Ambry Genetics
Classification: Pathogenic for Hereditary cancer-predisposing syndrome. Last evaluated: 2025-03-17. Review status: criteria provided, single submitter. Criteria: Ambry Variant Classification Scheme 2023. Collection method: clinical testing. Allele origin: germline. Not counted in ClinVar's aggregate classification.
Comment: The c.2786dupT pathogenic mutation, located in coding exon 10 of the BRCA2 gene, results from a duplication of T at nucleotide position 2786, causing a translational frameshift with a predicted alternate stop codon (p.L929Ffs*7). This alteration has been identified in a cohort of high-risk breast/ovarian cancer patients (Cast&eacute;ra L et al. Eur J Hum Genet, 2014 Nov;22:1305-13). This alteration was also identified in a large, worldwide study of BRCA1/2 mutation positive families (Rebbeck TR et al. Hum Mutat, 2018 05;39:593-620). This variant is considered to be rare based on population cohorts in the Genome Aggregation Database (gnomAD). In addition to the clinical data presented in the literature, this alteration is expected to result in loss of function by premature protein truncation or nonsense-mediated mRNA decay. As such, this alteration is interpreted as a disease-causing mutation.

Women's Health and Genetics/Laboratory Corporation of America, LabCorp
Classification: Pathogenic for Hereditary breast ovarian cancer syndrome. Last evaluated: 2023-12-07. Review status: criteria provided, single submitter. Criteria: LabCorp Variant Classification Summary - May 2015. Collection method: clinical testing. Allele origin: germline. Not counted in ClinVar's aggregate classification.
Comment: Variant summary: BRCA2 c.2786dupT (p.Leu929PhefsX7) results in a premature termination codon and is expected to cause absence of the protein due to nonsense mediated decay, a commonly known mechanism for disease. The variant was absent in 250880 control chromosomes (gnomAD). c.2786dupT has been reported in the literature in at least one individual affected with Hereditary Breast And Ovarian Cancer Syndrome (e.g. Castera_2014). These data suggest that the variant is very likely to be associated with disease. To our knowledge, no experimental evidence demonstrating an impact on protein function has been reported. The following publication has been ascertained in the context of this evaluation (PMID: 24549055). Six submitters have cited clinical-significance assessments for this variant to ClinVar after 2014. All submitters classified the variant as pathogenic. Based on the evidence outlined above, the variant was classified as pathogenic.

All of Us Research Program, National Institutes of Health
Classification: Pathogenic for Breast-ovarian cancer, familial, susceptibility to, 2. Last evaluated: 2023-06-08. Review status: criteria provided, single submitter. Criteria: ACMG Guidelines, 2015. Collection method: clinical testing. Allele origin: germline. Inheritance: Autosomal dominant inheritance. Observed: 1 variant allele, 1 heterozygote. Not counted in ClinVar's aggregate classification.
Comment: This variant inserts 1 nucleotide in exon 11 of the BRCA2 gene, creating a frameshift and premature translation stop signal. This variant is expected to result in an absent or non-functional protein product. This variant has been reported in individuals with a personal or family history of breast and/or ovarian cancer (PMID: 15131399, 24549055, 29446198). This variant has not been identified in the general population by the Genome Aggregation Database (gnomAD). Loss of BRCA2 function is a known mechanism of disease. Based on the available evidence, this variant is classified as Pathogenic.

This study involves interpretation of variants in research participants for the purpose of population health screening. Participant phenotype was not available at the time of variant classification. Additional details can be found in publication PMID: 35346344, PMCID: PMC8962531

Quest Diagnostics Nichols Institute San Juan Capistrano
Classification: Pathogenic. Last evaluated: 2021-12-18. Review status: criteria provided, single submitter. Criteria: Quest Diagnostics criteria. Collection method: clinical testing. Allele origin: unknown. Not counted in ClinVar's aggregate classification.
Comment: This frameshift variant alters the translational reading frame of the BRCA2 mRNA and causes the premature termination of BRCA2 protein synthesis. It has not been reported in large, multi-ethnic general populations. In the published literature, the variant has been reported in patients with hereditary breast and ovarian cancer, and prostate cancer (PMIDs: 32853339 (2021), 24549055 (2014), 15131399 (2004)). Based on the available information, this variant is classified as pathogenic.

GeneDx
Classification: Pathogenic. Last evaluated: 2021-08-28. Review status: criteria provided, single submitter. Criteria: GeneDx Variant Classification Process June 2021. Collection method: clinical testing. Allele origin: germline. Affected: yes. Not counted in ClinVar's aggregate classification.
Comment: Frameshift variant predicted to result in protein truncation or nonsense mediated decay in a gene for which loss-of-function is a known mechanism of disease; Not observed in large population cohorts (Lek et al., 2016); Truncating variants in this gene are considered pathogenic by a well-established clinical consortium and/or database; This variant is associated with the following publications: (PMID: 24549055, 26023681, 15131399)

National Institute of Allergy and Infectious Diseases - Centralized Sequencing Program, National Institutes of Health
Classification: Pathogenic for Hereditary breast and ovarian cancer syndrome. Last evaluated: 2021-08-06. Review status: criteria provided, single submitter. Criteria: ACMG Guidelines, 2015. Collection method: clinical testing. Allele origin: germline. Affected: yes. Not counted in ClinVar's aggregate classification.

Consortium of Investigators of Modifiers of BRCA1/2 (CIMBA), c/o University of Cambridge
Classification: Pathogenic for Breast-ovarian cancer, familial, susceptibility to, 2. Last evaluated: 2015-10-02. Review status: criteria provided, single submitter. Criteria: CIMBA Mutation Classification guidelines May 2016. Collection method: clinical testing. Allele origin: germline. Not counted in ClinVar's aggregate classification.

Juno Genomics, Hangzhou Juno Genomics, Inc
Classification: Pathogenic for Breast-ovarian cancer, familial, susceptibility to, 2. Review status: criteria provided, single submitter. Criteria: ACMG Guidelines, 2015. Collection method: clinical testing. Allele origin: germline. Not counted in ClinVar's aggregate classification.
Comment: Absent from controls (or at extremely low frequency if recessive) in Genome Aggregation Database.;Null variant in a gene where loss of function (LOF) is a known mechanism of disease.;The prevalence of the variant in affected individuals is significantly increased compared to the prevalence in controls.

Research Molecular Genetics Laboratory, Women's College Hospital, University of Toronto
Classification: Pathogenic for Hereditary breast ovarian cancer syndrome. Last evaluated: 2014-01-31. Review status: no assertion criteria provided. Collection method: research. Allele origin: germline. Affected: yes. Study: The Canadian Open Genetics Repository (COGR). Not counted in ClinVar's aggregate classification.

Sharing Clinical Reports Project (SCRP)
Classification: Pathogenic for Breast-ovarian cancer, familial 2. Last evaluated: 2008-07-24. Review status: no assertion criteria provided. Collection method: clinical testing. Allele origin: germline. Not counted in ClinVar's aggregate classification.

Breast Cancer Information Core (BIC) (BRCA2)
Classification: Pathogenic for Breast-ovarian cancer, familial 2. Last evaluated: 2004-02-20. Review status: no assertion criteria provided. Collection method: clinical testing. Allele origin: germline. Affected: yes. Observed: 3 variant alleles. Not counted in ClinVar's aggregate classification.

Literature cited by the submitters: PubMed 20104584 (cited by Labcorp Genetics (formerly Invitae), Labcorp); PubMed 15131399 (cited by 4 submitters); PubMed 24549055 (cited by 5 submitters); PubMed 29446198 (cited by 3 submitters); PubMed 32853339 (cited by Quest Diagnostics Nichols Institute San Juan Capistrano).